The following is an entry in ClinVar:

ClinVar aggregate classification (germline): Uncertain significance (1 of 4 stars; one submission).

Conditions:
Noonan syndrome 9 (NS9). Identifiers: Orphanet 648, MedGen C4225282, MONDO:0014691, OMIM 616559.

Submission:

Labcorp Genetics (formerly Invitae), Labcorp
Classification: Uncertain significance for Noonan syndrome 9. Last evaluated: 2025-12-30. Review status: criteria provided, single submitter. Criteria: Invitae Variant Classification Sherloc (09022015). Collection method: clinical testing. Allele origin: germline.
Comment: This sequence change replaces isoleucine, which is neutral and non-polar, with serine, which is neutral and polar, at codon 243 of the SOS2 protein (p.Ile243Ser). This variant is not present in population databases (gnomAD no frequency). This variant has not been reported in the literature in individuals affected with SOS2-related conditions. Invitae Evidence Modeling of protein sequence and biophysical properties (such as structural, functional, and spatial information, amino acid conservation, physicochemical variation, residue mobility, and thermodynamic stability) has been performed for this missense variant. However, the output from this modeling did not meet the statistical confidence thresholds required to predict the impact of this variant on SOS2 protein function. In summary, the available evidence is currently insufficient to determine the role of this variant in disease. Therefore, it has been classified as a Variant of Uncertain Significance.

NM_006939.4(SOS2):c.728T>G (p.Ile243Ser)

Gene: SOS2 (SOS Ras/Rho guanine nucleotide exchange factor 2; minus strand). Cytogenetic location: 14q21.3.
Variant type: single nucleotide variant.
Coding change: c.728T>G on transcript NM_006939.4 (MANE Select); coding-DNA position 728, T replaced by G.
Protein change: p.Ile243Ser; replaces isoleucine 243 with serine.
Molecular consequence: missense variant.
Genome position (GRCh38, 1-based): chr14:50,182,593, A>C on the plus strand (T>G on the coding strand, the complement: SOS2 is on the minus strand). VCF-style: chr14-50182593-A-C. GRCh37 (hg19) VCF-style: chr14-50649311-A-C.
Other names: c.728T>G, p.Ile243Ser (NM_001411020.1); short protein forms I243S.
Identifiers: ClinVar variation 4760232 (VCV004760232.1).